The following is an entry in ClinVar:

NM_000508.5(FGA):c.2552A>G (p.Tyr851Cys)

Gene: FGA (fibrinogen alpha chain; minus strand). Cytogenetic location: 4q31.3.
Variant type: single nucleotide variant.
Coding change: c.2552A>G on transcript NM_000508.5; coding-DNA position 2552, A replaced by G.
Protein change: p.Tyr851Cys; replaces tyrosine 851 with cysteine.
Molecular consequence: missense variant.
Genome position (GRCh38, 1-based): chr4:154,584,173, T>C on the plus strand (A>G on the coding strand, the complement: FGA is on the minus strand). VCF-style: chr4-154584173-T-C. GRCh37 (hg19) VCF-style: chr4-155505325-T-C.
Other names: short protein forms Y851C.
Identifiers: ClinVar variation 4813293 (VCV004813293.1).
Genomic context (GRCh38, chr4:154,584,173, plus strand): 5'-ACTTCTTCAGCCTATTGGGTCACAAGGGGCCTAATTTTCATGCGAACAGCCCTGAGGGAA[T>C]AATCTGCCCCTCTAAAGGAAACCCAGACCACTCCATTCTCAATCTCATAAGGACTGTTAT-3'

ClinVar aggregate classification (germline): Uncertain significance (1 of 4 stars; one submission).

Conditions:
Familial visceral amyloidosis, Ostertag type (AMYLD2). Also called: AMYLOIDOSIS VIII; Ostertag type amyloidosis; Familial visceral amyloidosis; Amyloidosis, hepatic and systemic; AMYLOIDOSIS, HEREDITARY SYSTEMIC 2; Hereditary Renal Amyloidosis. Identifiers: Orphanet 85450, MedGen C0268389, MONDO:0007099, OMIM 105200.

gnomAD v4.1: 23 of 1,609,040 alleles (0.0014%); highest among the groups gnomAD compares: South Asian, 0.018%; no homozygotes.

Submission:

Ozbek Human Genetics Laboratory, Izmir Biomedicine and Genome Center
Classification: Uncertain significance for Familial visceral amyloidosis, Ostertag type. Last evaluated: 2025-08-13. Review status: criteria provided, single submitter. Criteria: ACMG Guidelines, 2015. Collection method: research. Allele origin: unknown. Affected: yes. Observed: 1 variant allele, 1 heterozygote.
Comment: A heterozygous c.2552A>G missense variant was detected in exon 5 of the FGA gene (NM_000508.5). This variant is very rarely observed in population databases (PM2). In silico algorithms (AlphaMissense, Revel) predict this variant has a damaging effect at the protein level (PP3). Based on this information, this variant is classified as a Variant of Uncertain Significance (VUS) according to ACMG criteria. The FGA gene is associated with "Amyloidosis, hereditary systemic 2" syndrome in the OMIM database. Data obtained via the RAREBOOST project (Horizon 2020 ERA Chairs at Izmir Biomedicine and Genome Center - IBG)